The following is an entry in ClinVar:

NM_000153.4(GALC):c.1942A>T (p.Lys648Ter)

Gene: GALC (galactosylceramidase; minus strand). Cytogenetic location: 14q31.3.
Variant type: single nucleotide variant.
Coding change: c.1942A>T on transcript NM_000153.4 (MANE Select); coding-DNA position 1942, A replaced by T.
Protein change: p.Lys648Ter; replaces lysine 648 with a stop codon.
Molecular consequence: nonsense.
Genome position (GRCh38, 1-based): chr14:87,934,848, T>A on the plus strand (A>T on the coding strand, the complement: GALC is on the minus strand). VCF-style: chr14-87934848-T-A. GRCh37 (hg19) VCF-style: chr14-88401192-T-A.
Other names: c.1942A>T (NM_000153.3); c.1873A>T, p.Lys625Ter (NM_001201401.2); c.1864A>T, p.Lys622Ter (NM_001201402.2); short protein forms K648*, K625*, K622*.
Identifiers: ClinVar variation 870534 (VCV000870534.16), dbSNP rs1884501856, ClinGen allele CA390745323.

ClinVar aggregate classification (germline): Conflicting classifications of pathogenicity. Review status: criteria provided, conflicting classifications (1 of 4 stars). 4 submissions from 4 submitters: Likely pathogenic (2); Uncertain significance (1). 1 of the submissions does not count toward it. Last evaluated 2021-11-03.

Conditions:
Galactosylceramide beta-galactosidase deficiency. Also called: Leukodystrophy, Globoid Cell; GALACTOCEREBROSIDASE DEFICIENCY; GALC DEFICIENCY; GLOBOID CELL LEUKOENCEPHALOPATHY; Krabbe Disease. Identifiers: Orphanet 487, MedGen C0023521, MONDO:0009499, OMIM 245200.

gnomAD v4.1: 1 of 1,612,726 alleles (0.000062%); highest among the groups gnomAD compares: South Asian, 0.0011%; no homozygotes.

Submissions (4):

Institute for Clinical Genetics, University Hospital TU Dresden, University Hospital TU Dresden
Classification: Likely pathogenic. Last evaluated: 2021-11-03. Review status: criteria provided, single submitter. Criteria: ACMG Guidelines, 2015. Collection method: clinical testing. Allele origin: germline.

Labcorp Genetics (formerly Invitae), Labcorp
Classification: Likely pathogenic for Galactosylceramide beta-galactosidase deficiency. Last evaluated: 2021-03-22. Review status: criteria provided, single submitter. Criteria: Invitae Variant Classification Sherloc (09022015). Collection method: clinical testing. Allele origin: germline.
Comment: This sequence change creates a premature translational stop signal (p.Lys648*) in the GALC gene. While this is not anticipated to result in nonsense mediated decay, it is expected to disrupt the last 38 amino acid(s) of the GALC protein. This variant is not present in population databases (ExAC no frequency). In summary, the currently available evidence indicates that the variant is pathogenic, but additional data are needed to prove that conclusively. Therefore, this variant has been classified as Likely Pathogenic. This variant disrupts the p.Thr668 amino acid residue in GALC. Other variant(s) that disrupt this residue have been determined to be pathogenic (PMID: 24252386, 29615819). This suggests that this residue is clinically significant, and that variants that disrupt this residue are likely to be disease-causing. This variant has not been reported in the literature in individuals with GALC-related conditions. ClinVar contains an entry for this variant (Variation ID: 870534).

Rajaie Cardiovascular, Medical and Research Center, Iran University of Medical Sciences
Classification: Uncertain significance for Galactosylceramide beta-galactosidase deficiency. Last evaluated: 2019-07-05. Review status: criteria provided, single submitter. Criteria: ACMG Guidelines, 2015. Collection method: research. Allele origin: inherited. Inheritance: Autosomal recessive inheritance. Affected: yes.

Myelin Disorders Clinic-Children's Medical Center/Medical Genetics Lab-Tarbiat Modares University, Children's Medical Center, Pediatrics Center of Excellence,
Classification: Uncertain significance for Galactosylceramide beta-galactosidase deficiency. Review status: no assertion criteria provided. Collection method: clinical testing. Allele origin: inherited. Inheritance: Autosomal recessive inheritance. Affected: yes. Observed: 1 homozygote. Not counted in ClinVar's aggregate classification.

Literature cited by the submitters: PubMed 24252386 (cited by Labcorp Genetics (formerly Invitae), Labcorp); PubMed 29615819 (cited by Labcorp Genetics (formerly Invitae), Labcorp).